The following is an entry in ClinVar:

ClinVar aggregate classification (germline): Uncertain significance (1 of 4 stars; one submission).

Conditions:
Hereditary cancer-predisposing syndrome. Also called: Hereditary Cancer Syndrome; Tumor predisposition; Hereditary neoplastic syndrome; Neoplastic Syndromes, Hereditary. Identifiers: Orphanet 140162, MedGen C0027672, MeSH D009386, MONDO:0015356.

Submission:

Ambry Genetics
Classification: Uncertain significance for Hereditary cancer-predisposing syndrome. Last evaluated: 2024-07-24. Review status: criteria provided, single submitter. Criteria: Ambry Variant Classification Scheme 2023. Collection method: clinical testing. Allele origin: germline.
Comment: The p.A48E variant (also known as c.143C>A), located in coding exon 1 of the MET gene, results from a C to A substitution at nucleotide position 143. The alanine at codon 48 is replaced by glutamic acid, an amino acid with dissimilar properties. This amino acid position is well conserved in available vertebrate species. In addition, this alteration is predicted to be tolerated by in silico analysis. Based on the available evidence, the clinical significance of this variant remains unclear.

NM_000245.4(MET):c.143C>A (p.Ala48Glu)

Gene: MET (MET proto-oncogene, receptor tyrosine kinase; plus strand). Cytogenetic location: 7q31.2.
Variant type: single nucleotide variant.
Coding change: c.143C>A on transcript NM_000245.4 (MANE Select); coding-DNA position 143, C replaced by A.
Protein change: p.Ala48Glu; replaces alanine 48 with glutamic acid.
Molecular consequence: missense variant. On other transcripts: intron variant (1).
Genome position (GRCh38, 1-based): chr7:116,699,227, C>A. VCF-style: chr7-116699227-C-A. GRCh37 (hg19) VCF-style: chr7-116339281-C-A.
Other names: c.143C>A, p.Ala48Glu (NM_001127500.3, NM_001324401.3); c.-91+26650C>A (NM_001324402.2); short protein forms A48E.
Identifiers: ClinVar variation 3395096 (VCV003395096.1).
Genomic context (GRCh38, chr7:116,699,227, plus strand): 5'-AGGCACTAGCAAAGTCCGAGATGAATGTGAATATGAAGTATCAGCTTCCCAACTTCACCG[C>A]GGAAACACCCATCCAGAATGTCATTCTACATGAGCATCACATTTTCCTTGGTGCCACTAA-3'
Protein context (NP_000236.2, residues 38-58): NMKYQLPNFT[Ala48Glu]ETPIQNVILH